The following is an entry in ClinVar:

NM_003632.3(CNTNAP1):c.2389C>T (p.Arg797Cys)

Gene: CNTNAP1 (contactin associated protein 1; plus strand). Cytogenetic location: 17q21.2.
Variant type: single nucleotide variant.
Coding change: c.2389C>T on transcript NM_003632.3 (MANE Select); coding-DNA position 2389, C replaced by T.
Protein change: p.Arg797Cys; replaces arginine 797 with cysteine.
Molecular consequence: missense variant.
Genome position (GRCh38, 1-based): chr17:42,691,850, C>T. VCF-style: chr17-42691850-C-T. GRCh37 (hg19) VCF-style: chr17-40843868-C-T.
Other names: short protein forms R797C.
Identifiers: ClinVar variation 1521532 (VCV001521532.8), dbSNP rs750371440, ClinGen allele CA8582044.
Genomic context (GRCh38, chr17:42,691,850, plus strand): 5'-CCATCTGCTTTTCTAGGAAATTCCTGGAACACCATTTCCTTCCACACCGGGGCTGCACTA[C>T]GCTTCCCCCCAATCCGTGCCAACCACAGCCTGGATGTCTCCTTCTACTTCAGGACCTCTG-3'
Protein context (NP_003623.1, residues 787-807): TISFHTGAAL[Arg797Cys]FPPIRANHSL

ClinVar aggregate classification (germline): Uncertain significance (1 of 4 stars; one submission).

Allele frequency attached by ClinVar (database versions not stated): gnomAD exomes 0.00001 and 0.00004; gnomAD 0.00003; TOPMed 0.00004; ExAC 0.00005.
gnomAD v4.1: 23 of 1,614,024 alleles (0.0014%); highest among the groups gnomAD compares: African/African-American, 0.004%; no homozygotes.

Submission:

Labcorp Genetics (formerly Invitae), Labcorp
Classification: Uncertain significance. Last evaluated: 2022-11-15. Review status: criteria provided, single submitter. Criteria: Invitae Variant Classification Sherloc (09022015). Collection method: clinical testing. Allele origin: germline.
Comment: Algorithms developed to predict the effect of missense changes on protein structure and function are either unavailable or do not agree on the potential impact of this missense change (SIFT: "Deleterious"; PolyPhen-2: "Benign"; Align-GVGD: "Class C25"). In summary, the available evidence is currently insufficient to determine the role of this variant in disease. Therefore, it has been classified as a Variant of Uncertain Significance. ClinVar contains an entry for this variant (Variation ID: 1521532). This variant has not been reported in the literature in individuals affected with CNTNAP1-related conditions. This variant is present in population databases (rs750371440, gnomAD 0.01%). This sequence change replaces arginine, which is basic and polar, with cysteine, which is neutral and slightly polar, at codon 797 of the CNTNAP1 protein (p.Arg797Cys).